The following is an entry in ClinVar:

NM_001348800.3(ZBTB20):c.1412dup (p.Ser472fs)

Gene: ZBTB20 (zinc finger and BTB domain containing 20; minus strand). Cytogenetic location: 3q13.31.
Variant type: Duplication.
Coding change: c.1412dup on transcript NM_001348800.3 (MANE Select); coding-DNA position 1412, one base duplicated (C; older notation c.1412dupC).
Protein change: p.Ser472fs; shifts the reading frame from serine 472.
Molecular consequence: frameshift variant.
Genome position (GRCh38, 1-based): chr3:114,350,666, G duplicated on the plus strand (C on the coding strand, the reverse complement: ZBTB20 is on the minus strand); the first of 2 consecutive G bases (chr3:114,350,666-114,350,667); duplicating either gives the same sequence. VCF-style (leftmost placement, unchanged base first): chr3-114350665-T-TG. GRCh37 (hg19) VCF-style: chr3-114069512-T-TG.
Other names: c.1412dup, p.Ser472fs (NM_001164342.2, NM_001348803.3, NM_001393393.1 and 1 more transcripts); c.1193dup, p.Ser399fs (NM_001164343.2, NM_001164344.4, NM_001164345.4 and 9 more transcripts); short protein forms S399fs, S472fs.
Identifiers: ClinVar variation 2229580 (VCV002229580.4), dbSNP rs2550501344, ClinGen allele CA2580068585.
Genomic context (GRCh38, chr3:114,350,665, plus strand): 5'-CAGAGGCATCCTCAGGTTGCTGGTGAGGGTTTCTGTCTGGCGTAAGTAGAGCTGGGTACT[T>TG]GGCAATGGCTGCCCGATGGACGTGTTGACCGAAGGCTGTTGTAGGACGCTCTTGTCGGAG-3'

ClinVar aggregate classification (germline): Pathogenic (1 of 4 stars; one submission).

Conditions:
Inborn genetic diseases. Identifiers: MedGen C0950123, MeSH D030342.

Submission:

Ambry Genetics
Classification: Pathogenic for Inborn genetic diseases. Last evaluated: 2023-07-03. Review status: criteria provided, single submitter. Criteria: Ambry Variant Classification Scheme 2023. Collection method: clinical testing. Allele origin: germline.
Comment: The c.1412dupC (p.S472Kfs*108) alteration, located in exon 4 (coding exon 3) of the ZBTB20 gene, consists of a duplication of C at position 1412, causing a translational frameshift with a predicted alternate stop codon after 108 amino acids. This alteration is expected to result in loss of function by premature protein truncation or nonsense-mediated mRNA decay. This variant is pathogenic for ZBTB20-related neurodevelopmental disorder; however, the clinical significance for Primrose syndrome is unclear. This variant was not reported in population-based cohorts in the Genome Aggregation Database (gnomAD). Based on the available evidence, this alteration is classified as pathogenic.